The following is an entry in ClinVar:

ClinVar aggregate classification (germline): Uncertain significance. Review status: criteria provided, multiple submitters, no conflicts (2 of 4 stars). 6 submissions from 5 submitters: Uncertain significance (5). 1 of the submissions does not count toward it. Last evaluated 2023-11-04.

Conditions:
Retinitis pigmentosa 39 (RP39). Identifiers: Orphanet 791, MedGen C3151138, MONDO:0013436, OMIM 613809.
Usher syndrome type 2A. Also called: USHER SYNDROME, TYPE IIA; RETINAL DISEASE IN USHER SYNDROME TYPE IIA, MODIFIER OF. Identifiers: Orphanet 231178, Orphanet 886, MedGen C1848634, MONDO:0010169, OMIM 276901.

gnomAD v4.1: 3 of 1,613,790 alleles (0.00019%); highest among the groups gnomAD compares: Middle Eastern, 0.017%; no homozygotes.

Submissions (6):

Genome-Nilou Lab
Classification: Uncertain significance for Retinitis pigmentosa 39. Last evaluated: 2023-11-04. Review status: criteria provided, single submitter. Criteria: ACMG Guidelines, 2015. Collection method: clinical testing. Allele origin: germline. Affected: no.

Genome-Nilou Lab
Classification: Uncertain significance for Usher syndrome type 2A. Last evaluated: 2023-11-04. Review status: criteria provided, single submitter. Criteria: ACMG Guidelines, 2015. Collection method: clinical testing. Allele origin: germline. Affected: no.

Labcorp Genetics (formerly Invitae), Labcorp
Classification: Uncertain significance. Last evaluated: 2022-08-09. Review status: criteria provided, single submitter. Criteria: Invitae Variant Classification Sherloc (09022015). Collection method: clinical testing. Allele origin: germline.
Comment: This sequence change replaces isoleucine, which is neutral and non-polar, with phenylalanine, which is neutral and non-polar, at codon 1520 of the USH2A protein (p.Ile1520Phe). This variant is present in population databases (no rsID available, gnomAD 0.003%). This variant has not been reported in the literature in individuals affected with USH2A-related conditions. ClinVar contains an entry for this variant (Variation ID: 666952). Algorithms developed to predict the effect of missense changes on protein structure and function (SIFT, PolyPhen-2, Align-GVGD) all suggest that this variant is likely to be tolerated. In summary, the available evidence is currently insufficient to determine the role of this variant in disease. Therefore, it has been classified as a Variant of Uncertain Significance.

Blueprint Genetics
Classification: Uncertain significance. Last evaluated: 2021-08-12. Review status: criteria provided, single submitter. Criteria: ACMG Guidelines, 2015. Collection method: clinical testing. Allele origin: germline.

Laboratory for Molecular Medicine, Mass General Brigham Personalized Medicine
Classification: Uncertain significance. Last evaluated: 2018-08-08. Review status: criteria provided, single submitter. Criteria: LMM Criteria. Collection method: clinical testing. Allele origin: germline. Observed: 1 variant allele.
Comment: The p.Ile1520Phe variant in USH2A has not been previously reported in individual s with hearing loss or Usher syndrome but has been identified in 1/33492 Latino chromosomes by the Genome Aggregation Database (gnomAD). Computational prediction tools and conservation analysis suggest that the p.Ile1520Phe variant may not impact the protein, though this information is not predictive enough to rule out pathogenicity. In summary, the clinical signi ficance of the p.Ile1520Phe variant is uncertain. ACMG/AMP Criteria applied: PM2 , BP4.

Natera, Inc.
Classification: Uncertain significance for Usher syndrome type 2A. Last evaluated: 2020-09-16. Review status: no assertion criteria provided. Collection method: clinical testing. Allele origin: germline. Not counted in ClinVar's aggregate classification.

NM_206933.4(USH2A):c.4558A>T (p.Ile1520Phe)

Gene: USH2A (usherin; minus strand). Cytogenetic location: 1q41.
Variant type: single nucleotide variant.
Coding change: c.4558A>T on transcript NM_206933.4 (MANE Select); coding-DNA position 4558, A replaced by T.
Protein change: p.Ile1520Phe; replaces isoleucine 1520 with phenylalanine.
Molecular consequence: missense variant.
Genome position (GRCh38, 1-based): chr1:216,175,321, T>A on the plus strand (A>T on the coding strand, the complement: USH2A is on the minus strand). VCF-style: chr1-216175321-T-A. GRCh37 (hg19) VCF-style: chr1-216348663-T-A.
Other names: c.4558A>T, p.Ile1520Phe (NM_007123.6); short protein forms I1520F.
Identifiers: ClinVar variation 666952 (VCV000666952.8), dbSNP rs770790346, ClinGen allele CA344863641.
Genomic context (GRCh38, chr1:216,175,321, plus strand): 5'-CTGTATTGACTGGGTGAGTGGAGCTGGGAAATTTACAATACCCATTTCCTATGAAACGGA[T>A]TCCTTTCATCATCGTGGTCATCAGAGCTGGTAGAGATGACTCTCTCCTTTCCAGCTGATA-3'
Protein context (NP_996816.3, residues 1510-1530): PALMTTMMKG[Ile1520Phe]RFIGNGYCKF